The following is an entry in ClinVar:

ClinVar aggregate classification (germline): Uncertain significance (1 of 4 stars; one submission).

Allele frequency attached by ClinVar (database versions not stated): TOPMed below 0.00001.

Submission:

GeneDx
Classification: Uncertain significance. Last evaluated: 2022-03-02. Review status: criteria provided, single submitter. Criteria: GeneDx Variant Classification Process June 2021. Collection method: clinical testing. Allele origin: germline. Affected: yes.
Comment: Not observed at significant frequency in large population cohorts (gnomAD); In silico analysis supports that this missense variant does not alter protein structure/function; Has not been previously published as pathogenic or benign to our knowledge

NM_017909.4(RMND1):c.77G>T (p.Gly26Val)

Gene: RMND1 (required for meiotic nuclear division 1 homolog; minus strand). Cytogenetic location: 6q25.1.
Variant type: single nucleotide variant.
Coding change: c.77G>T on transcript NM_017909.4 (MANE Select); coding-DNA position 77, G replaced by T.
Protein change: p.Gly26Val; replaces glycine 26 with valine.
Molecular consequence: missense variant. On other transcripts: intron variant (1).
Genome position (GRCh38, 1-based): chr6:151,445,735, C>A on the plus strand (G>T on the coding strand, the complement: RMND1 is on the minus strand). VCF-style: chr6-151445735-C-A. GRCh37 (hg19) VCF-style: chr6-151766870-C-A.
Other names: c.-7+6281G>T (NM_001271937.2); short protein forms G26V.
Identifiers: ClinVar variation 1704840 (VCV001704840.2), dbSNP rs1780936820, ClinGen allele CA366066633.